The following is an entry in ClinVar:

NM_001244008.2(KIF1A):c.4744-6C>T

Gene: KIF1A (kinesin family member 1A; minus strand). Cytogenetic location: 2q37.3.
Variant type: single nucleotide variant.
Coding change: c.4744-6C>T on transcript NM_001244008.2 (MANE Select); 6 bases into the intron before coding-DNA position 4744, C replaced by T.
Molecular consequence: intron variant.
Genome position (GRCh38, 1-based): chr2:240,721,044, G>A on the plus strand (C>T on the coding strand, the complement: KIF1A is on the minus strand). VCF-style: chr2-240721044-G-A. GRCh37 (hg19) VCF-style: chr2-241660461-G-A.
Other names: c.4441-6C>T (NM_001379653.1, NM_001379650.1, NM_001379641.1 and 2 more transcripts); c.4717-6C>T (NM_001379645.1, NM_001379633.1); c.4567-6C>T (NM_001379635.1, NM_001379646.1); c.4438-6C>T (NM_001379640.1); c.4465-6C>T (NM_001379639.1); c.4468-6C>T (NM_001379649.1, NM_001320705.2); c.4555-6C>T (NM_001379636.1); c.4720-6C>T (NM_001379632.1); and 7 more.
Identifiers: ClinVar variation 1742789 (VCV001742789.5), dbSNP rs2536657694, ClinGen allele CA2580068043.

ClinVar aggregate classification (germline): Conflicting classifications of pathogenicity. Review status: criteria provided, conflicting classifications (1 of 4 stars). 2 submissions from 2 submitters: Uncertain significance (1); Likely benign (1). Last evaluated 2023-11-24.

Conditions:
Inborn genetic diseases. Identifiers: MedGen C0950123, MeSH D030342.
Hereditary spastic paraplegia 30. Identifiers: Orphanet 101010, MedGen C5235139, MONDO:0012476.
Neuropathy, hereditary sensory, type 2C. Also called: Hereditary sensory and autonomic neuropathy type IIC; KIF1A-Related HSAN2 (HSAN2C). Identifiers: Orphanet 970, MedGen C3280168, MONDO:0013634, OMIM 614213.
Intellectual disability, autosomal dominant 9 (NESCAVS). Also called: NESCAV SYNDROME; KIF1A-Related Neurodevelopmental Disorder. Identifiers: Orphanet 662367, MedGen C5393830, MONDO:0013656, OMIM 614255.

Submissions (2):

Labcorp Genetics (formerly Invitae), Labcorp
Classification: Likely benign for Hereditary spastic paraplegia 30; Neuropathy, hereditary sensory, type 2C; Intellectual disability, autosomal dominant 9. Last evaluated: 2023-11-24. Review status: criteria provided, single submitter. Criteria: Invitae Variant Classification Sherloc (09022015). Collection method: clinical testing. Allele origin: germline.

Ambry Genetics
Classification: Uncertain significance for Inborn genetic diseases. Last evaluated: 2020-10-15. Review status: criteria provided, single submitter. Criteria: Ambry Variant Classification Scheme 2023. Collection method: clinical testing. Allele origin: germline.
Comment: The c.4744-6C>T intronic variant results from a C to T substitution 6 nucleotides upstream from coding exon 44 in the KIF1A gene. This nucleotide position is not well conserved in available vertebrate species. In silico splice site analysis predicts that this alteration will not have any significant effect on splicing. Since supporting evidence is limited at this time, the clinical significance of this alteration remains unclear.